The following is an entry in ClinVar:

ClinVar aggregate classification (germline): Pathogenic (1 of 4 stars; one submission).

Conditions:
Congenital myasthenic syndrome 4A. Also called: Myasthenic syndrome, congenital, 4a, slow-channel; CONGENITAL MYASTHENIC SYNDROME TYPE Ia1; MYASTHENIC SYNDROME, CONGENITAL, 4A, SLOW-CHANNEL, AUTOSOMAL RECESSIVE. Identifiers: Orphanet 590, MedGen C4225413, MONDO:0011600, OMIM 605809.

Submission:

Labcorp Genetics (formerly Invitae), Labcorp
Classification: Pathogenic for Congenital myasthenic syndrome 4A. Last evaluated: 2021-02-06. Review status: criteria provided, single submitter. Criteria: Invitae Variant Classification Sherloc (09022015). Collection method: clinical testing. Allele origin: germline.
Comment: This variant is not present in population databases (ExAC no frequency). This sequence change creates a premature translational stop signal (p.Arg40Glnfs*20) in the CHRNE gene. It is expected to result in an absent or disrupted protein product. Loss-of-function variants in CHRNE are known to be pathogenic (PMID: 22678886). This variant has not been reported in the literature in individuals with CHRNE-related conditions. For these reasons, this variant has been classified as Pathogenic.

Literature cited by the submitters: PubMed 22678886.

NM_000080.4(CHRNE):c.114_118dup (p.Arg40fs)

Genes: C17orf107 (chromosome 17 open reading frame 107; plus strand), CHRNE (cholinergic receptor nicotinic epsilon subunit; minus strand). Cytogenetic location: 17p13.2.
Variant type: Duplication.
Coding change: c.114_118dup on transcript NM_000080.4 (MANE Select); coding-DNA positions 114 to 118, 5 bases duplicated (AAGCC; older notation c.114_118dupAAGCC).
Protein change: p.Arg40fs; shifts the reading frame from arginine 40.
Molecular consequence: frameshift variant. On other transcripts: 3 prime UTR variant (1).
Genome position (GRCh38, 1-based): chr17:4,902,692-4,902,696, GGCTT duplicated on the plus strand (AAGCC on the coding strand, the reverse complement: CHRNE is on the minus strand). VCF-style (leftmost placement, unchanged base first): chr17-4902691-C-CGGCTT. GRCh37 (hg19) VCF-style: chr17-4805986-C-CGGCTT.
Other names: c.*2159_*2163dup (NM_001145536.2); short protein forms R40fs.
Identifiers: ClinVar variation 1453502 (VCV001453502.6), dbSNP rs2151098905, ClinGen allele CA2573153005.
Genomic context (GRCh38, chr17:4,902,691, plus strand): 5'-AGATTCGTCAGGGTGACCTTGAGGCTGATGGTGACAGTATCCTCAGGCTCCCGCACTGGC[C>CGGCTT]GGCTTCCTGGGTCATAGTTGTTGAAGAGATGGTGATAAAGACGCAGTTCCTCGTTCTTCC-3'